The following is an entry in ClinVar:

NM_003995.4(NPR2):c.3029A>G (p.Asp1010Gly)

Genes: SPAG8 (sperm associated antigen 8; minus strand), NPR2 (natriuretic peptide receptor 2; plus strand). Cytogenetic location: 9p13.3.
Variant type: single nucleotide variant.
Coding change: c.3029A>G on transcript NM_003995.4 (MANE Select); coding-DNA position 3029, A replaced by G.
Protein change: p.Asp1010Gly; replaces aspartic acid 1010 with glycine.
Molecular consequence: missense variant. On other transcripts: intron variant (2).
Genome position (GRCh38, 1-based): chr9:35,809,198, A>G. VCF-style: chr9-35809198-A-G. GRCh37 (hg19) VCF-style: chr9-35809195-A-G.
Other names: c.3038A>G, p.Asp1013Gly (NM_001378923.1); c.1201-892T>C (NM_001366760.2); c.1372+206T>C (NM_172312.2); short protein forms D1010G, D1013G.
Identifiers: ClinVar variation 873129 (VCV000873129.4), dbSNP rs1828609114, ClinGen allele CA373386682.

ClinVar aggregate classification (germline): Uncertain significance (1 of 4 stars; one submission).

Conditions:
Acromesomelic dysplasia 1, Maroteaux type (AMD1). Also called: ST. HELENA DYSPLASIA; ACROMESOMELIC DYSPLASIA 1. Identifiers: Orphanet 40, MedGen C1864356, MONDO:0011275, OMIM 602875.

Allele frequency attached by ClinVar (database versions not stated): gnomAD exomes below 0.00001.
gnomAD v4.1: 1 of 1,614,008 alleles (0.000062%); highest among the groups gnomAD compares: Non-Finnish European, 0.000085%; no homozygotes.

Submission:

Hacettepe Genetic Diseases Diagnosis Center, Hacettepe University Faculty of Medicine
Classification: Uncertain significance for Acromesomelic dysplasia 1, Maroteaux type. Last evaluated: 2020-04-29. Review status: criteria provided, single submitter. Criteria: ACMG Guidelines, 2015. Collection method: clinical testing. Allele origin: germline. Inheritance: Autosomal recessive inheritance. Affected: yes. Observed: 1 homozygote.
Comment: Whole exome sequencing revealed a homozygous novel variant c.3029A>G (p.Asp1010Gly) in exon 21 of NPR2 (NM_003995.4), which was confirmed by Sanger sequencing. This variant was neither found in ExAC nor gnomAD data. This variant is classified as uncertain significance according to the ACMG Guidelines and predicted to be disease causing by in silico analysis such as MutationTaster.